The following is an entry in ClinVar:

NM_000478.6(ALPL):c.530C>T (p.Ala177Val)

Gene: ALPL (alkaline phosphatase, biomineralization associated; plus strand). Cytogenetic location: 1p36.12.
Variant type: single nucleotide variant.
Coding change: c.530C>T on transcript NM_000478.6 (MANE Select); coding-DNA position 530, C replaced by T.
Protein change: p.Ala177Val; replaces alanine 177 with valine.
Molecular consequence: missense variant.
Genome position (GRCh38, 1-based): chr1:21,564,098, C>T. VCF-style: chr1-21564098-C-T. GRCh37 (hg19) VCF-style: chr1-21890591-C-T.
Other names: c.365C>T, p.Ala122Val (NM_001127501.4); c.299C>T, p.Ala100Val (NM_001177520.3); c.530C>T, p.Ala177Val (NM_001369803.2, NM_001369804.2, NM_001369805.2); short protein forms A177V, A100V, A122V.
Identifiers: ClinVar variation 427764 (VCV000427764.15), dbSNP rs1114167438, ClinGen allele CA338877907.

ClinVar aggregate classification (germline): Conflicting classifications of pathogenicity. Review status: criteria provided, conflicting classifications (1 of 4 stars). 8 submissions from 8 submitters: Pathogenic (1); Likely pathogenic (3); Uncertain significance (3). 1 of the submissions does not count toward it. Last evaluated 2025-08-29.

Conditions:
Adult hypophosphatasia. Identifiers: Orphanet 247676, Orphanet 436, MedGen C0268413, MONDO:1010154, OMIM 146300, MONDO:0007798.
Decreased circulating alkaline phosphatase activity. Identifiers: MedGen C1860130, HP:0003282.
Childhood hypophosphatasia. Identifiers: Orphanet 247667, Orphanet 436, MedGen C0220743, MONDO:1010168, OMIM 241510, MONDO:0009428.
Infantile hypophosphatasia. Identifiers: Orphanet 247651, Orphanet 436, MedGen C0268412, MONDO:1010169, OMIM 241500, MONDO:0009427.
Hypophosphatasia. Also called: Phosphoethanol-aminuria. Identifiers: Orphanet 436, MedGen C0020630, MeSH D007014, MONDO:0018570.

Allele frequency attached by ClinVar (database versions not stated): gnomAD exomes below 0.00001; gnomAD 0.00001; TOPMed 0.00001.
gnomAD v4.1: 2 of 1,614,018 alleles (0.00012%); highest among the groups gnomAD compares: Non-Finnish European, 0.00017%; no homozygotes.

Submissions (8):

Genomenon, Inc
Classification: Uncertain significance for Hypophosphatasia. Last evaluated: 2025-08-29. Review status: criteria provided, single submitter. Criteria: Genomenon Sequence Variant Interpretation Standards. Collection method: curation. Allele origin: germline. Affected: yes.
Comment: ALPL c.530C>T is a missense variant that changes the amino acid at residue 177 from Alanine to Valine. This variant has been observed in at least one proband affected with hypophosphatasia (PMID:29774402). Functional studies have been reported;however, the significance of the findings remain unclear (PMID:32160374). It is absent or not present at a significant frequency in gnomAD. In conclusion, we classify ALPL p.Ala177Val (c.530C>T) as a variant of unknown significance.

Women's Health and Genetics/Laboratory Corporation of America, LabCorp
Classification: Likely pathogenic for Hypophosphatasia. Last evaluated: 2025-07-10. Review status: criteria provided, single submitter. Criteria: LabCorp Variant Classification Summary - May 2015. Collection method: clinical testing. Allele origin: germline.
Comment: Variant summary: ALPL c.530C>T (p.Ala177Val) results in a non-conservative amino acid change in the encoded protein sequence. Algorithms developed to predict the effect of missense changes on protein structure and function all suggest that this variant is likely to be disruptive. The variant was absent in 251150 control chromosomes. c.530C>T has been observed in two individuals affected with Hypophosphatasia (Krishnani_2021). These data indicate that the variant may be associated with disease. At least one publication reports experimental evidence evaluating an impact on protein function (Del Angel_2020). The most pronounced variant effect results in about 66% of normal activity. A different missense change in this codon, c.529G>A (p.Ala177Thr) has been reported in multiple individuals affected with Hypophosphatasia and thus has been classified as pathogenic. The following publications have been ascertained in the context of this evaluation (PMID: 32160374, 29774402, 33814268, 32987199). ClinVar contains an entry for this variant (Variation ID: 427764). Based on the evidence outlined above, the variant was classified as likely pathogenic.

Labcorp Genetics (formerly Invitae), Labcorp
Classification: Pathogenic. Last evaluated: 2024-09-13. Review status: criteria provided, single submitter. Criteria: Invitae Variant Classification Sherloc (09022015). Collection method: clinical testing. Allele origin: germline.
Comment: This sequence change replaces alanine, which is neutral and non-polar, with valine, which is neutral and non-polar, at codon 177 of the ALPL protein (p.Ala177Val). This variant is not present in population databases (gnomAD no frequency). This missense change has been observed in individual(s) with hypophosphatasia (PMID: 32160374, 33814268). ClinVar contains an entry for this variant (Variation ID: 427764). Invitae Evidence Modeling of protein sequence and biophysical properties (such as structural, functional, and spatial information, amino acid conservation, physicochemical variation, residue mobility, and thermodynamic stability) indicates that this missense variant is expected to disrupt ALPL protein function with a positive predictive value of 95%. Experimental studies have shown that this missense change affects ALPL function (PMID: 32160374). This variant disrupts the p.Ala177 amino acid residue in ALPL. Other variant(s) that disrupt this residue have been determined to be pathogenic (PMID: 9452105, 11760847, 12162492, 18455459). This suggests that this residue is clinically significant, and that variants that disrupt this residue are likely to be disease-causing. For these reasons, this variant has been classified as Pathogenic.

ARUP Laboratories, Molecular Genetics and Genomics, ARUP Laboratories
Classification: Uncertain significance. Last evaluated: 2024-07-02. Review status: criteria provided, single submitter. Criteria: ARUP Molecular Germline Variant Investigation Process 2024. Collection method: clinical testing. Allele origin: germline.
Comment: The ALPL c.530C>T; p.Ala177Val variant (rs1114167438; ClinVar ID: 427764) is reported in the literature in a homozygous individual affected with hypophosphatasia (HPP) (Kishnani 2021). This variant is absent from the Genome Aggregation Database (v2.1.1), indicating it is not a common polymorphism. Computational analyses are uncertain whether this variant is neutral or deleterious (REVEL: 0.615). Functional studies of the variant protein suggest mildly reduced enzymatic activity (Kishnani 2021). Additionally, another variant at this codon (c.529G>A; p.Ala177Thr) has been reported in individuals with HPP, although it exhibits enzymatic activity similar to wildtype and so its clinical significance remains uncertain (Del Angel 2020, Goseki-Sone 1998, Orimo 2001). Due to limited information, the clinical significance of the p.Ala177Val variant is uncertain at this time. References: Del Angel G et al. Large-scale in vitro functional testing and novel variant scoring via protein modeling provide insights into alkaline phosphatase activity in hypophosphatasia. Hum Mutat. 2020 Jul;41(7):1250-1262. PMID: 32160374. Goseki-Sone M et al. Hypophosphatasia: identification of five novel missense mutations (G507A, G705A, A748G, T1155C, G1320A) in the tissue-nonspecific alkaline phosphatase gene among Japanese patients. Hum Mutat. 1998;Suppl 1:S263-7. PMID: 9452105. Kishnani PS et al. Investigation of ALPL variant states and clinical outcomes: An analysis of adults and adolescents with hypophosphatasia treated with asfotase alfa. Mol Genet Metab. 2021 May;133(1):113-121. PMID: 33814268. Orimo H et al. Mutational analysis and functional correlation with phenotype in German patients with childhood-type hypophosphatasia. J Bone Miner Res. 2001 Dec;16(12):2313-9. PMID: 11760847.

Baylor Genetics
Classification: Likely pathogenic for Adult hypophosphatasia. Last evaluated: 2024-03-05. Review status: criteria provided, single submitter. Criteria: ACMG Guidelines, 2015. Collection method: clinical testing. Allele origin: unknown.

Fulgent Genetics
Classification: Likely pathogenic for Adult hypophosphatasia; Infantile hypophosphatasia; Childhood hypophosphatasia. Last evaluated: 2024-01-20. Review status: criteria provided, single submitter. Criteria: ACMG Guidelines, 2015. Collection method: clinical testing. Allele origin: germline.

Blueprint Genetics
Classification: Uncertain significance. Last evaluated: 2019-12-16. Review status: criteria provided, single submitter. Criteria: ACMG Guidelines, 2015. Collection method: clinical testing. Allele origin: germline.

Institute of Human Genetics, University of Wuerzburg
Classification: Uncertain significance for Decreased circulating alkaline phosphatase activity. Review status: no assertion criteria provided. Collection method: clinical testing. Allele origin: unknown. Not counted in ClinVar's aggregate classification.

Literature cited by the submitters: PubMed 29774402 (cited by Genomenon, Inc and Women's Health and Genetics/Laboratory Corporation of America, LabCorp); PubMed 32160374 (cited by 3 submitters); PubMed 33814268 (cited by Women's Health and Genetics/Laboratory Corporation of America, LabCorp and Labcorp Genetics (formerly Invitae), Labcorp); PubMed 32987199 (cited by Women's Health and Genetics/Laboratory Corporation of America, LabCorp); PubMed 9452105 (cited by Labcorp Genetics (formerly Invitae), Labcorp); PubMed 11760847 (cited by Labcorp Genetics (formerly Invitae), Labcorp); PubMed 12162492 (cited by Labcorp Genetics (formerly Invitae), Labcorp); PubMed 18455459 (cited by Labcorp Genetics (formerly Invitae), Labcorp).